The following is an entry in ClinVar:

ClinVar aggregate classification (germline): Uncertain significance. Review status: criteria provided, multiple submitters, no conflicts (2 of 4 stars). 3 submissions from 3 submitters: Uncertain significance (3). Last evaluated 2026-08-28.

Conditions:
Hereditary cancer-predisposing syndrome. Also called: Tumor predisposition; Hereditary Cancer Syndrome; Hereditary neoplastic syndrome; Neoplastic Syndromes, Hereditary. Identifiers: Orphanet 140162, MedGen C0027672, MeSH D009386, MONDO:0015356.
Familial adenomatous polyposis 2. Also called: MUTYH Polyposis; FAP type 2; MUTYH-associated polyposis; Adenomas, multiple colorectal; MUTYH-related attenuated familial adenomatous polyposis; COLORECTAL ADENOMATOUS POLYPOSIS, AUTOSOMAL RECESSIVE. Identifiers: Orphanet 220460, Orphanet 247798, MedGen C3272841, MONDO:0012041, OMIM 608456.

Allele frequency attached by ClinVar (database versions not stated): gnomAD exomes below 0.00001; TOPMed below 0.00001; ESP Exome Variant Server 0.00008.
gnomAD v4.1: 2 of 1,614,196 alleles (0.00012%); highest among the groups gnomAD compares: African/African-American, 0.0027%; no homozygotes.

Submissions (3):

Ambry Genetics
Classification: Uncertain significance for Hereditary cancer-predisposing syndrome. Last evaluated: 2026-08-28. Review status: criteria provided, single submitter. Criteria: Ambry Variant Classification Scheme 2023. Collection method: clinical testing. Allele origin: germline.
Comment: The p.V486L variant (also known as c.1456G>C), located in coding exon 14 of the MUTYH gene, results from a G to C substitution at nucleotide position 1456. The valine at codon 486 is replaced by leucine, an amino acid with highly similar properties. In a massively parallel cell-based functional assay testing 7,8-dihydro-8-oxoguanine:adenine (8OG:A) repair activity, a byproduct of oxidative damage, this variant was reported to be inconclusive (Hemker SL et al. Am J Hum Genet, 2025 Sep;112:2010-2026). This amino acid position is well conserved in available vertebrate species. In addition, the in silico prediction for this alteration is inconclusive. Based on the available evidence, the clinical significance of this variant remains unclear.

GeneDx
Classification: Uncertain significance. Last evaluated: 2024-06-05. Review status: criteria provided, single submitter. Criteria: GeneDx Variant Classification Process June 2021. Collection method: clinical testing. Allele origin: germline. Affected: yes.
Comment: Not observed at significant frequency in large population cohorts (gnomAD); In silico analysis indicates that this missense variant does not alter protein structure/function; Has not been previously published as pathogenic or benign to our knowledge; This variant is associated with the following publications: (PMID: 23108399)

Labcorp Genetics (formerly Invitae), Labcorp
Classification: Uncertain significance for Familial adenomatous polyposis 2. Last evaluated: 2022-10-12. Review status: criteria provided, single submitter. Criteria: Invitae Variant Classification Sherloc (09022015). Collection method: clinical testing. Allele origin: germline.
Comment: In summary, the available evidence is currently insufficient to determine the role of this variant in disease. Therefore, it has been classified as a Variant of Uncertain Significance. Algorithms developed to predict the effect of missense changes on protein structure and function (SIFT, PolyPhen-2, Align-GVGD) all suggest that this variant is likely to be tolerated. ClinVar contains an entry for this variant (Variation ID: 998698). This variant has not been reported in the literature in individuals affected with MUTYH-related conditions. This variant is present in population databases (rs151144295, gnomAD 0.007%). This sequence change replaces valine, which is neutral and non-polar, with leucine, which is neutral and non-polar, at codon 486 of the MUTYH protein (p.Val486Leu).

Literature cited by the submitters: PubMed 40738107 (cited by Ambry Genetics).

NM_001048174.2(MUTYH):c.1372G>C (p.Val458Leu)

Gene: MUTYH (mutY DNA glycosylase; minus strand). Cytogenetic location: 1p34.1.
Variant type: single nucleotide variant.
Coding change: c.1372G>C on transcript NM_001048174.2 (MANE Select); coding-DNA position 1372, G replaced by C.
Protein change: p.Val458Leu; replaces valine 458 with leucine.
Molecular consequence: missense variant. On other transcripts: non-coding transcript variant (2).
Genome position (GRCh38, 1-based): chr1:45,331,202, C>G on the plus strand (G>C on the coding strand, the complement: MUTYH is on the minus strand). VCF-style: chr1-45331202-C-G. GRCh37 (hg19) VCF-style: chr1-45796874-C-G.
Other names: c.1372G>C, p.Val458Leu (NM_001048171.2, NM_001048173.2, NM_001293195.2); c.1375G>C, p.Val459Leu (NM_001048172.2); c.1456G>C, p.Val486Leu (NM_001128425.2); c.1417G>C, p.Val473Leu (NM_001293190.2); c.1405G>C, p.Val469Leu (NM_001293191.2); c.1096G>C, p.Val366Leu (NM_001293192.2, NM_001293196.2); c.1027G>C, p.Val343Leu (NM_001350650.2, NM_001350651.2); c.1447G>C, p.Val483Leu (NM_012222.3); and 1 more; short protein forms V343L, V366L, V458L, V459L, V469L, V473L, V483L, V486L.
Identifiers: ClinVar variation 998698 (VCV000998698.10), dbSNP rs151144295, ClinGen allele CA21835704.